The following is an entry in ClinVar:

ClinVar aggregate classification (germline): Uncertain significance (1 of 4 stars; one submission).

Submission:

GeneDx
Classification: Uncertain significance. Last evaluated: 2024-03-28. Review status: criteria provided, single submitter. Criteria: GeneDx Variant Classification Process June 2021. Collection method: clinical testing. Allele origin: germline. Affected: yes.
Comment: Frameshift variant predicted to result in protein truncation or nonsense mediated decay in a gene for which loss-of-function is not a known mechanism of disease; Not observed at significant frequency in large population cohorts (gnomAD); Has not been previously published as pathogenic or benign to our knowledge

NM_001130823.3(DNMT1):c.2933del (p.Glu978fs)

Gene: DNMT1 (DNA methyltransferase 1; minus strand). Cytogenetic location: 19p13.2.
Variant type: Deletion.
Coding change: c.2933del on transcript NM_001130823.3 (MANE Select); coding-DNA position 2933, one base deleted (A; older notation c.2933delA).
Protein change: p.Glu978fs; shifts the reading frame from glutamic acid 978.
Molecular consequence: frameshift variant.
Genome position (GRCh38, 1-based): chr19:10,143,949, T deleted on the plus strand (A on the coding strand, the reverse complement: DNMT1 is on the minus strand). VCF-style (leftmost placement, unchanged base first): chr19-10143948-CT-C. GRCh37 (hg19) VCF-style: chr19-10254624-CT-C.
Other names: c.2933delA, p.Glu978Glyfs (NM_001130823.1); c.2885del, p.Glu962fs (NM_001318730.2, NM_001379.4); c.2570del, p.Glu857fs (NM_001318731.2); short protein forms E857fs, E962fs, E978fs.
Identifiers: ClinVar variation 3371549 (VCV003371549.1).